The following is an entry in ClinVar:

NM_014363.6(SACS):c.10765A>G (p.Ile3589Val)

Gene: SACS (sacsin molecular chaperone; minus strand). Cytogenetic location: 13q12.12.
Variant type: single nucleotide variant.
Coding change: c.10765A>G on transcript NM_014363.6 (MANE Select); coding-DNA position 10765, A replaced by G.
Protein change: p.Ile3589Val; replaces isoleucine 3589 with valine.
Molecular consequence: missense variant.
Genome position (GRCh38, 1-based): chr13:23,333,111, T>C on the plus strand (A>G on the coding strand, the complement: SACS is on the minus strand). VCF-style: chr13-23333111-T-C. GRCh37 (hg19) VCF-style: chr13-23907250-T-C.
Other names: c.10765A>G (NM_014363.4); c.10324A>G, p.Ile3442Val (NM_001278055.2); short protein forms I3442V, I3589V.
Identifiers: ClinVar variation 2037087 (VCV002037087.5), dbSNP rs747920603, ClinGen allele CA6910398.

ClinVar aggregate classification (germline): Conflicting classifications of pathogenicity. Review status: criteria provided, conflicting classifications (1 of 4 stars). 2 submissions from 2 submitters: Uncertain significance (1); Likely benign (1). Last evaluated 2023-07-25.

Conditions:
Spastic paraplegia. Identifiers: MedGen C0037772, HP:0001258.

Allele frequency attached by ClinVar (database versions not stated): gnomAD exomes below 0.00001; ExAC 0.00001.
gnomAD v4.1: 1 of 1,613,708 alleles (0.000062%); highest among the groups gnomAD compares: South Asian, 0.0011%; no homozygotes.

Submissions (2):

Labcorp Genetics (formerly Invitae), Labcorp
Classification: Likely benign for Spastic paraplegia. Last evaluated: 2023-07-25. Review status: criteria provided, single submitter. Criteria: Invitae Variant Classification Sherloc (09022015). Collection method: clinical testing. Allele origin: germline.

Athena Diagnostics
Classification: Uncertain significance. Last evaluated: 2023-04-13. Review status: criteria provided, single submitter. Criteria: Athena Diagnostics Criteria. Collection method: clinical testing. Allele origin: unknown.
Comment: Available data are insufficient to determine the clinical significance of the variant at this time. The frequency of this variant in the general population is uninformative in assessment of its pathogenicity. Computational tools predict that this variant is not damaging.